The following is an entry in ClinVar:

ClinVar aggregate classification (germline): Uncertain significance (1 of 4 stars; one submission).

gnomAD v4.1: 15 of 1,613,632 alleles (0.00093%); highest among the groups gnomAD compares: Admixed American, 0.0033%; no homozygotes.

Submission:

Women's Health and Genetics/Laboratory Corporation of America, LabCorp
Classification: Uncertain significance. Last evaluated: 2026-04-06. Review status: criteria provided, single submitter. Criteria: LabCorp Variant Classification Summary - May 2015. Collection method: clinical testing. Allele origin: germline.
Comment: Variant summary: ADAMTS13 c.1859T>A (p.Leu620His) results in a non-conservative amino acid change in the encoded protein sequence. Algorithms developed to predict the effect of missense changes on protein structure and function are either unavailable or do not agree on the potential impact of this missense change. The variant allele was found at a frequency of 1.2e-05 in 250974 control chromosomes. The available data on variant occurrences in the general population are insufficient to allow any conclusion about variant significance. To our knowledge, no occurrence of c.1859T>A in individuals affected with ADAMTS13-related conditions and no experimental evidence demonstrating its impact on protein function have been reported. No submitters have cited clinical-significance assessments for this variant to ClinVar. Based on the evidence outlined above, the variant was classified as uncertain significance.

NM_139027.6(ADAMTS13):c.1859T>A (p.Leu620His)

Gene: ADAMTS13 (ADAM metallopeptidase with thrombospondin type 1 motif 13; plus strand). Cytogenetic location: 9q34.2.
Variant type: single nucleotide variant.
Coding change: c.1859T>A on transcript NM_139027.6 (MANE Select); coding-DNA position 1859, T replaced by A.
Protein change: p.Leu620His; replaces leucine 620 with histidine.
Molecular consequence: missense variant. On other transcripts: non-coding transcript variant (1).
Genome position (GRCh38, 1-based): chr9:133,440,416, T>A. VCF-style: chr9-133440416-T-A. GRCh37 (hg19) VCF-style: chr9-136305537-T-A.
Other names: c.1859T>A, p.Leu620His (NM_139025.5); c.1766T>A, p.Leu589His (NM_139026.6); short protein forms L589H, L620H.
Identifiers: ClinVar variation 4848893 (VCV004848893.1).